The following is an entry in ClinVar:

NM_032242.4(PLXNA1):c.3230G>A (p.Arg1077His)

Gene: PLXNA1 (plexin A1; plus strand). Cytogenetic location: 3q21.3.
Variant type: single nucleotide variant.
Coding change: c.3230G>A on transcript NM_032242.4 (MANE Select); coding-DNA position 3230, G replaced by A.
Protein change: p.Arg1077His; replaces arginine 1077 with histidine.
Molecular consequence: missense variant.
Genome position (GRCh38, 1-based): chr3:127,016,991, G>A. VCF-style: chr3-127016991-G-A. GRCh37 (hg19) VCF-style: chr3-126735834-G-A.
Other names: c.3230G>A (NM_032242.3); short protein forms R1077H.
Identifiers: ClinVar variation 1695979 (VCV001695979.5), dbSNP rs772360004, ClinGen allele CA2593947.

ClinVar aggregate classification (germline): Uncertain significance. Review status: criteria provided, single submitter (1 of 4 stars). 2 submissions from 2 submitters: Uncertain significance (1). 1 of the submissions does not count toward it. Last evaluated 2026-02-10.

Conditions:
Dworschak-Punetha neurodevelopmental syndrome (DWOPNED). Identifiers: MedGen C5677017, MONDO:0859260, OMIM 619955.
PLXNA1-related disorder. Also called: PLXNA1-related condition.

Allele frequency attached by ClinVar (database versions not stated): gnomAD 0.00001 and 0.00002; TOPMed 0.00002; gnomAD exomes 0.00003; ExAC 0.00005.
gnomAD v4.1: 52 of 1,613,380 alleles (0.0032%); highest among the groups gnomAD compares: South Asian, 0.0055%; no homozygotes.

Submissions (2):

PreventionGenetics, part of Exact Sciences
Classification: Uncertain significance for PLXNA1-related condition. Last evaluated: 2026-02-10. Review status: criteria provided, single submitter. Criteria: ACMG Guidelines, 2015. Collection method: clinical testing. Allele origin: germline.
Comment: The PLXNA1 c.3230G>A variant is predicted to result in the amino acid substitution p.Arg1077His. This variant has been reported in the compound heterozygous state in an individual with global developmental delay and seizures (Table 1, Dworschak et al. 2021. PubMed ID: 34054129). This variant is reported in 0.0098% of alleles in individuals of South Asian descent in gnomAD. At this time, the clinical significance of this variant is uncertain due to the absence of conclusive functional and genetic evidence.

OMIM
Classification: Pathogenic for DWORSCHAK-PUNETHA NEURODEVELOPMENTAL SYNDROME. Last evaluated: 2022-07-13. Review status: no assertion criteria provided. Collection method: literature only. Allele origin: germline. Not counted in ClinVar's aggregate classification.

Literature cited by the submitters: PubMed 34054129 (cited by OMIM).